The following is an entry in ClinVar:

ClinVar aggregate classification (germline): Uncertain significance (1 of 4 stars; one submission).

Allele frequency attached by ClinVar (database versions not stated): TOPMed 0.00002; gnomAD 0.00011; gnomAD exomes 0.00016; 1000 Genomes Project 30x 0.00062; 1000 Genomes Project 0.00080; ExAC 0.00123.
gnomAD v4.1: 223 of 1,433,212 alleles (0.016%); highest among the groups gnomAD compares: South Asian, 0.31%; 4 homozygotes.

Submission:

GeneDx
Classification: Uncertain significance. Last evaluated: 2023-01-30. Review status: criteria provided, single submitter. Criteria: GeneDx Variant Classification Process June 2021. Collection method: clinical testing. Allele origin: germline. Affected: yes.
Comment: In silico analysis supports that this missense variant has a deleterious effect on protein structure/function; Has not been previously published as pathogenic or benign to our knowledge

NM_138775.3(ALKBH8):c.899A>G (p.Asp300Gly)

Gene: ALKBH8 (alkB homolog 8, tRNA methyltransferase; minus strand). Cytogenetic location: 11q22.3.
Variant type: single nucleotide variant.
Coding change: c.899A>G on transcript NM_138775.3 (MANE Select); coding-DNA position 899, A replaced by G.
Protein change: p.Asp300Gly; replaces aspartic acid 300 with glycine.
Molecular consequence: missense variant. On other transcripts: non-coding transcript variant (6).
Genome position (GRCh38, 1-based): chr11:107,525,572, T>C on the plus strand (A>G on the coding strand, the complement: ALKBH8 is on the minus strand). VCF-style: chr11-107525572-T-C. GRCh37 (hg19) VCF-style: chr11-107396298-T-C.
Other names: c.899A>G, p.Asp300Gly (NM_001301010.3, NM_001378133.1); short protein forms D300G.
Identifiers: ClinVar variation 2574515 (VCV002574515.1), dbSNP rs569762874, ClinGen allele CA6261086.
Genomic context (GRCh38, chr11:107,525,572, plus strand): 5'-AAGTCTCCAACATCACTGGTGATAATTCCACTTTTAAGACTCTCAGATGCTTGAACAGTA[T>C]CAAATTTTCTGCACGTGATTCTAAAAACAATAGTCAAAAAAATTTACTTAACATTGTATT-3'
Protein context (NP_620130.2, residues 290-310): WTHGITCRKF[Asp300Gly]TVQASESLKS